The following is an entry in ClinVar:

NM_021930.6(RINT1):c.1037A>T (p.Asn346Ile)

Gene: RINT1 (RAD50 interactor 1; plus strand). Cytogenetic location: 7q22.3.
Variant type: single nucleotide variant.
Coding change: c.1037A>T on transcript NM_021930.6 (MANE Select); coding-DNA position 1037, A replaced by T.
Protein change: p.Asn346Ile; replaces asparagine 346 with isoleucine.
Molecular consequence: missense variant. On other transcripts: non-coding transcript variant (1).
Genome position (GRCh38, 1-based): chr7:105,550,095, A>T. VCF-style: chr7-105550095-A-T. GRCh37 (hg19) VCF-style: chr7-105190542-A-T.
Other names: c.803A>T, p.Asn268Ile (NM_001346599.2); c.14A>T, p.Asn5Ile (NM_001346600.2, NM_001346603.2); c.113A>T, p.Asn38Ile (NM_001346601.2); short protein forms N5I, N38I, N268I, N346I.
Identifiers: ClinVar variation 3314426 (VCV003314426.1).
Genomic context (GRCh38, chr7:105,550,095, plus strand): 5'-CTATTTTCCTCCTTCCTTAGCCAGAATGGTACTTGGCTCAAGTACTTATGTGGATTGGAA[A>T]CCATACTGAATTTCTGGATGAGAAGATTCAGCCAATATTAGACAAAGTAGGCTCTTTGGT-3'
Protein context (NP_068749.3, residues 336-356): YLAQVLMWIG[Asn346Ile]HTEFLDEKIQ

ClinVar aggregate classification (germline): Uncertain significance (1 of 4 stars; one submission).

gnomAD v4.1: 1 of 1,613,832 alleles (0.000062%); no homozygotes.

Submission:

Ambry Genetics
Classification: Uncertain significance. Last evaluated: 2024-03-29. Review status: criteria provided, single submitter. Criteria: Ambry Variant Classification Scheme 2023. Collection method: clinical testing. Allele origin: germline.
Comment: The p.N346I variant (also known as c.1037A>T), located in coding exon 8 of the RINT1 gene, results from an A to T substitution at nucleotide position 1037. The asparagine at codon 346 is replaced by isoleucine, an amino acid with dissimilar properties. This amino acid position is conserved. In addition, this alteration is predicted to be tolerated by in silico analysis. Based on the available evidence, the clinical significance of this alteration remains unclear.